The following is an entry in ClinVar:

NM_001846.4(COL4A2):c.4597C>A (p.Leu1533Met)

Genes: COL4A2 (collagen type IV alpha 2 chain; plus strand), COL4A2-AS1 (COL4A2 antisense RNA 1; minus strand). Cytogenetic location: 13q34.
Variant type: single nucleotide variant.
Coding change: c.4597C>A on transcript NM_001846.4 (MANE Select); coding-DNA position 4597, C replaced by A.
Protein change: p.Leu1533Met; replaces leucine 1533 with methionine.
Molecular consequence: missense variant.
Genome position (GRCh38, 1-based): chr13:110,507,937, C>A. VCF-style: chr13-110507937-C-A. GRCh37 (hg19) VCF-style: chr13-111160284-C-A.
Other names: c.4597C>A (NM_001846.2); short protein forms L1533M.
Identifiers: ClinVar variation 2643955 (VCV002643955.24), dbSNP rs1473826075, ClinGen allele CA388741047.

ClinVar aggregate classification (germline): Uncertain significance. Review status: criteria provided, multiple submitters, no conflicts (2 of 4 stars). 2 submissions from 2 submitters: Uncertain significance (2). Last evaluated 2025-04-30.

Conditions:
Inborn genetic diseases. Identifiers: MedGen C0950123, MeSH D030342.

gnomAD v4.1: 2 of 1,613,324 alleles (0.00012%); highest among the groups gnomAD compares: Non-Finnish European, 0.00017%; no homozygotes.

Submissions (2):

Ambry Genetics
Classification: Uncertain significance for Inborn genetic diseases. Last evaluated: 2025-04-30. Review status: criteria provided, single submitter. Criteria: Ambry Variant Classification Scheme 2023. Collection method: clinical testing. Allele origin: germline.

CeGaT Center for Human Genetics Tuebingen
Classification: Uncertain significance. Last evaluated: 2022-08-01. Review status: criteria provided, single submitter. Criteria: CeGaT Center For Human Genetics Tuebingen Variant Classification Criteria Version 2. Collection method: clinical testing. Allele origin: germline. Affected: yes. Observed: 1 variant allele.
Comment: COL4A2: PM2, PP3